The following is an entry in ClinVar:

ClinVar aggregate classification (germline): Uncertain significance (1 of 4 stars; one submission).

Conditions:
Aicardi-Goutieres syndrome 3. Identifiers: Orphanet 51, MedGen C1835916, MONDO:0012471, OMIM 610329.

Allele frequency attached by ClinVar (database versions not stated): gnomAD exomes below 0.00001.

Submission:

Labcorp Genetics (formerly Invitae), Labcorp
Classification: Uncertain significance for Aicardi-Goutieres syndrome 3. Last evaluated: 2021-07-14. Review status: criteria provided, single submitter. Criteria: Invitae Variant Classification Sherloc (09022015). Collection method: clinical testing. Allele origin: germline.
Comment: This sequence change replaces phenylalanine with leucine at codon 119 of the RNASEH2C protein (p.Phe119Leu). The phenylalanine residue is weakly conserved and there is a small physicochemical difference between phenylalanine and leucine. This variant is not present in population databases (ExAC no frequency). This variant has not been reported in the literature in individuals affected with RNASEH2C-related conditions. Algorithms developed to predict the effect of missense changes on protein structure and function (SIFT, PolyPhen-2, Align-GVGD) all suggest that this variant is likely to be tolerated. In summary, the available evidence is currently insufficient to determine the role of this variant in disease. Therefore, it has been classified as a Variant of Uncertain Significance.

NM_032193.4(RNASEH2C):c.355T>C (p.Phe119Leu)

Gene: RNASEH2C (ribonuclease H2 subunit C; minus strand). Cytogenetic location: 11q13.1.
Variant type: single nucleotide variant.
Coding change: c.355T>C on transcript NM_032193.4 (MANE Select); coding-DNA position 355, T replaced by C.
Protein change: p.Phe119Leu; replaces phenylalanine 119 with leucine.
Molecular consequence: missense variant.
Genome position (GRCh38, 1-based): chr11:65,720,158, A>G on the plus strand (T>C on the coding strand, the complement: RNASEH2C is on the minus strand). VCF-style: chr11-65720158-A-G. GRCh37 (hg19) VCF-style: chr11-65487629-A-G.
Other names: short protein forms F119L.
Identifiers: ClinVar variation 1505426 (VCV001505426.8), dbSNP rs2135652511, ClinGen allele CA381298296.
Genomic context (GRCh38, chr11:65,720,158, plus strand): 5'-CAGGGATGGTCTCCAGACCCCACAGGGTGAAGCGGCTGAAGTTGGCAGTGGCTCCAATGA[A>G]GCGGTCCTGGGGAAGGGGCCTGGCTCAGCATCGGGACTACAGCTCCCGCCCGCACCCCCT-3'
Protein context (NP_115569.2, residues 109-129): EEPLERDFDR[Phe119Leu]IGATANFSRF